The following is an entry in ClinVar:

ClinVar aggregate classification (germline): Uncertain significance. Review status: criteria provided, multiple submitters, no conflicts (2 of 4 stars). 4 submissions from 3 submitters: Uncertain significance (4). Last evaluated 2025-07-21.

Conditions:
Seckel syndrome 1 (SCKL1). Also called: MICROCEPHALIC PRIMORDIAL DWARFISM I. Identifiers: Orphanet 808, MedGen C4551474, MONDO:0008869, OMIM 210600.
Familial cutaneous telangiectasia and oropharyngeal predisposition cancer syndrome. Identifiers: Orphanet 313846, MedGen C3281203, MONDO:0013806, OMIM 614564.

Allele frequency attached by ClinVar (database versions not stated): ExAC 0.00008; gnomAD 0.00009; gnomAD exomes 0.00009 and 0.00013; 1000 Genomes Project 0.00020; TOPMed 0.00024; 1000 Genomes Project 30x 0.00031.
gnomAD v4.1: 204 of 1,613,290 alleles (0.013%); highest among the groups gnomAD compares: Admixed American, 0.04%; no homozygotes.

Submissions (4):

Labcorp Genetics (formerly Invitae), Labcorp
Classification: Uncertain significance. Last evaluated: 2025-07-21. Review status: criteria provided, single submitter. Criteria: Invitae Variant Classification Sherloc (09022015). Collection method: clinical testing. Allele origin: germline.
Comment: This sequence change falls in intron 11 of the ATR gene. It does not directly change the encoded amino acid sequence of the ATR protein. It affects a nucleotide within the consensus splice site. This variant is present in population databases (rs190596919, gnomAD 0.03%). This variant has not been reported in the literature in individuals affected with ATR-related conditions. ClinVar contains an entry for this variant (Variation ID: 343614). Variants that disrupt the consensus splice site are a relatively common cause of aberrant splicing (PMID: 17576681, 9536098). Algorithms developed to predict the effect of sequence changes on RNA splicing suggest that this variant is not likely to affect RNA splicing. In summary, the available evidence is currently insufficient to determine the role of this variant in disease. Therefore, it has been classified as a Variant of Uncertain Significance.

Genome-Nilou Lab
Classification: Uncertain significance for Seckel syndrome 1. Last evaluated: 2023-02-08. Review status: criteria provided, single submitter. Criteria: ACMG Guidelines, 2015. Collection method: clinical testing. Allele origin: germline.

Genome-Nilou Lab
Classification: Uncertain significance for Familial cutaneous telangiectasia and oropharyngeal predisposition cancer syndrome. Last evaluated: 2023-02-08. Review status: criteria provided, single submitter. Criteria: ACMG Guidelines, 2015. Collection method: clinical testing. Allele origin: germline.

Illumina Laboratory Services, Illumina
Classification: Uncertain significance for Seckel syndrome 1. Last evaluated: 2018-01-13. Review status: criteria provided, single submitter. Criteria: ICSL Variant Classification Criteria 13 December 2019. Collection method: clinical testing. Allele origin: germline.

Literature cited by the submitters: PubMed 17576681 (cited by Labcorp Genetics (formerly Invitae), Labcorp); PubMed 9536098 (cited by Labcorp Genetics (formerly Invitae), Labcorp).

NM_001184.4(ATR):c.2532+4G>A

Gene: ATR (ATR checkpoint kinase; minus strand). Cytogenetic location: 3q23.
Variant type: single nucleotide variant.
Coding change: c.2532+4G>A on transcript NM_001184.4 (MANE Select); 4 bases into the intron after coding-DNA position 2532, G replaced by A.
Molecular consequence: intron variant.
Genome position (GRCh38, 1-based): chr3:142,553,821, C>T on the plus strand (G>A on the coding strand, the complement: ATR is on the minus strand). VCF-style: chr3-142553821-C-T. GRCh37 (hg19) VCF-style: chr3-142272663-C-T.
Other names: c.2340+4G>A (NM_001354579.2).
Identifiers: ClinVar variation 343614 (VCV000343614.10), dbSNP rs190596919, ClinGen allele CA2650348.
Genomic context (GRCh38, chr3:142,553,821, plus strand): 5'-GGTTAAAGAAATTTTTAGAGCTAGGTTGACGTAAACTCAAATGTTAAAAACAAAAATTAT[C>T]AACCTCCTTTATAAATCCATCTTCAGAGTCCAAGGATTCCAATATGTGCTTGATATTTCC-3'